The following is an entry in ClinVar:

NM_000444.6(PHEX):c.1533G>T (p.Lys511Asn)

Gene: PHEX (phosphate regulating endopeptidase X-linked; plus strand). Cytogenetic location: Xp22.11.
Variant type: single nucleotide variant.
Coding change: c.1533G>T on transcript NM_000444.6 (MANE Select); coding-DNA position 1533, G replaced by T.
Protein change: p.Lys511Asn; replaces lysine 511 with asparagine.
Molecular consequence: missense variant.
Genome position (GRCh38, 1-based): chrX:22,178,323, G>T. VCF-style: chrX-22178323-G-T. GRCh37 (hg19) VCF-style: chrX-22196440-G-T.
Other names: c.1533G>T, p.Lys511Asn (NM_001282754.2); short protein forms K511N.
Identifiers: ClinVar variation 4711356 (VCV004711356.1).

ClinVar aggregate classification (germline): Uncertain significance (1 of 4 stars; one submission).

gnomAD v4.1: 9 of 1,205,246 alleles (0.00075%); highest among the groups gnomAD compares: Non-Finnish European, 0.001%; no homozygotes.

Submission:

Labcorp Genetics (formerly Invitae), Labcorp
Classification: Uncertain significance. Last evaluated: 2025-04-13. Review status: criteria provided, single submitter. Criteria: Invitae Variant Classification Sherloc (09022015). Collection method: clinical testing. Allele origin: germline.
Comment: This sequence change replaces lysine, which is basic and polar, with asparagine, which is neutral and polar, at codon 511 of the PHEX protein (p.Lys511Asn). This variant is not present in population databases (gnomAD no frequency). This variant has not been reported in the literature in individuals affected with PHEX-related conditions. Invitae Evidence Modeling of protein sequence and biophysical properties (such as structural, functional, and spatial information, amino acid conservation, physicochemical variation, residue mobility, and thermodynamic stability) has been performed for this missense variant. However, the output from this modeling did not meet the statistical confidence thresholds required to predict the impact of this variant on PHEX protein function. In summary, the available evidence is currently insufficient to determine the role of this variant in disease. Therefore, it has been classified as a Variant of Uncertain Significance.